The following is an entry in ClinVar:

ClinVar aggregate classification (germline): Uncertain significance. Review status: criteria provided, multiple submitters, no conflicts (2 of 4 stars). 3 submissions from 3 submitters: Uncertain significance (3). Last evaluated 2025-09-14.

Conditions:
Hereditary sensory and autonomic neuropathy type 6. Also called: Neuropathy, hereditary sensory and autonomic, type VI; HSAN VI. Identifiers: Orphanet 314381, MedGen C3539003, MONDO:0013839, OMIM 614653.
Epidermolysis bullosa simplex 3, localized or generalized intermediate, with BP230 deficiency (EBS3). Also called: Epidermolysis bullosa simplex, autosomal recessive 2; Epidermolysis bullosa simplex due to BP230 deficiency. Identifiers: Orphanet 412181, MedGen C3809470, MONDO:0014180, OMIM 615425.
Inborn genetic diseases. Identifiers: MedGen C0950123, MeSH D030342.

Allele frequency attached by ClinVar (database versions not stated): TOPMed below 0.00001; gnomAD 0.00001.

Submissions (3):

Labcorp Genetics (formerly Invitae), Labcorp
Classification: Uncertain significance for Epidermolysis bullosa simplex 3, localized or generalized intermediate, with BP230 deficiency; Hereditary sensory and autonomic neuropathy type 6. Last evaluated: 2025-09-14. Review status: criteria provided, single submitter. Criteria: Invitae Variant Classification Sherloc (09022015). Collection method: clinical testing. Allele origin: germline.
Comment: The DST gene has multiple clinically relevant transcripts. This variant occurs in alternate transcript NM_015548.4, and corresponds to NM_001723.5:c.*104213T>G in the primary transcript. This sequence change replaces serine, which is neutral and polar, with alanine, which is neutral and non-polar, at codon 3602 of the DST protein (p.Ser3602Ala). This variant is not present in population databases (gnomAD no frequency). This variant has not been reported in the literature in individuals affected with DST-related conditions. In summary, the available evidence is currently insufficient to determine the role of this variant in disease. Therefore, it has been classified as a Variant of Uncertain Significance.

Mayo Clinic Laboratories, Mayo Clinic
Classification: Uncertain significance. Last evaluated: 2024-05-08. Review status: criteria provided, single submitter. Criteria: ACMG Guidelines, 2015. Collection method: clinical testing. Allele origin: germline. Observed: 2 variant alleles.
Comment: BP4, PM2

Ambry Genetics
Classification: Uncertain significance for Inborn genetic diseases. Last evaluated: 2022-08-19. Review status: criteria provided, single submitter. Criteria: Ambry Variant Classification Scheme 2023. Collection method: clinical testing. Allele origin: germline.
Comment: The p.S4106A variant (also known as c.12316T>G), located in coding exon 67 of the DST gene, results from a T to G substitution at nucleotide position 12316. The serine at codon 4106 is replaced by alanine, an amino acid with similar properties. This amino acid position is poorly conserved in available vertebrate species. In addition, this alteration is predicted to be tolerated by in silico analysis. Since supporting evidence is limited at this time, the clinical significance of this alteration remains unclear.

NM_001374736.1(DST):c.18673T>G (p.Ser6225Ala)

Gene: DST (dystonin; minus strand). Cytogenetic location: 6p12.1.
Variant type: single nucleotide variant.
Coding change: c.18673T>G on transcript NM_001374736.1 (MANE Select); coding-DNA position 18673, T replaced by G.
Protein change: p.Ser6225Ala; replaces serine 6225 with alanine.
Molecular consequence: missense variant.
Genome position (GRCh38, 1-based): chr6:56,511,304, A>C on the plus strand (T>G on the coding strand, the complement: DST is on the minus strand). VCF-style: chr6-56511304-A-C. GRCh37 (hg19) VCF-style: chr6-56376102-A-C.
Other names: p.Ser3602Ala; c.12316T>G, p.Ser4106Ala (NM_001144769.5); c.11902T>G, p.Ser3968Ala (NM_001144770.2); c.18673T>G, p.Ser6225Ala (NM_001374722.1); c.17713T>G, p.Ser5905Ala (NM_001374729.1); c.11455T>G, p.Ser3819Ala (NM_001374730.1); c.18700T>G, p.Ser6234Ala (NM_001374734.1); c.10804T>G, p.Ser3602Ala (NM_015548.5); and 1 more; short protein forms S3968A, S3602A, S6234A, S3819A, S3928A, S4106A, S5905A, S6225A.
Identifiers: ClinVar variation 967607 (VCV000967607.9), dbSNP rs1033335791, ClinGen allele CA139176701.